The following is an entry in ClinVar:

ClinVar aggregate classification (germline): Benign/Likely benign. Review status: criteria provided, multiple submitters, no conflicts (2 of 4 stars). 4 submissions from 4 submitters: Benign (1); Likely benign (1). 2 of the submissions do not count toward it. Last evaluated 2025-12-24.

Conditions:
ASNS-related disorder. Also called: ASNS-related condition.
Congenital microcephaly - severe encephalopathy - progressive cerebral atrophy syndrome. Also called: ASNS DEFICIENCY; Asparagine synthetase deficiency. Identifiers: Orphanet 391376, MedGen C3809971, MONDO:0014258, OMIM 615574.

Allele frequency attached by ClinVar (database versions not stated): ExAC 0.00056; 1000 Genomes Project 30x 0.00203; 1000 Genomes Project 0.00240.
gnomAD v4.1: 370 of 1,614,166 alleles (0.023%); highest among the groups gnomAD compares: East Asian, 0.8%; no homozygotes.

Submissions (4):

Labcorp Genetics (formerly Invitae), Labcorp
Classification: Benign. Last evaluated: 2025-12-24. Review status: criteria provided, single submitter. Criteria: Invitae Variant Classification Sherloc (09022015). Collection method: clinical testing. Allele origin: germline.

Mayo Clinic Laboratories, Mayo Clinic
Classification: Likely benign. Last evaluated: 2025-04-10. Review status: criteria provided, single submitter. Criteria: ACMG Guidelines, 2015. Collection method: clinical testing. Allele origin: germline. Observed: 1 variant allele.
Comment: BS1, BP4, BP7

Natera, Inc.
Classification: Likely benign for Asparagine synthetase deficiency. Last evaluated: 2020-06-09. Review status: no assertion criteria provided. Collection method: clinical testing. Allele origin: germline. Not counted in ClinVar's aggregate classification.

PreventionGenetics, part of Exact Sciences
Classification: Likely benign for ASNS-related condition. Last evaluated: 2019-10-28. Review status: no assertion criteria provided. Collection method: clinical testing. Allele origin: germline. Not counted in ClinVar's aggregate classification.
Comment: This variant is classified as likely benign based on ACMG/AMP sequence variant interpretation guidelines (Richards et al. 2015 PMID: 25741868, with internal and published modifications).

NM_001673.5(ASNS):c.591A>C (p.Ala197=)

Genes: ASNS (asparagine synthetase (glutamine-hydrolyzing); minus strand), CZ1P-ASNS (CZ1P-ASNS readthrough; minus strand). Cytogenetic location: 7q21.3.
Variant type: single nucleotide variant.
Coding change: c.591A>C on transcript NM_001673.5 (MANE Select); coding-DNA position 591, A replaced by C.
Protein change: p.Ala197=; no amino-acid change (alanine 197 retained).
Molecular consequence: synonymous variant. On other transcripts: non-coding transcript variant (1).
Genome position (GRCh38, 1-based): chr7:97,859,295, T>G on the plus strand (A>C on the coding strand, the complement: ASNS is on the minus strand). VCF-style: chr7-97859295-T-G. GRCh37 (hg19) VCF-style: chr7-97488607-T-G.
Other names: p.Ala197=; c.591A>C, p.Ala197= (NM_133436.3, NM_001352496.2, NM_183356.4); c.528A>C, p.Ala176= (NM_001178075.2); c.342A>C, p.Ala114= (NM_001178076.2, NM_001178077.1).
Identifiers: ClinVar variation 707980 (VCV000707980.15), dbSNP rs141969298, ClinGen allele CA4354742.